The following is an entry in ClinVar:

NM_005228.5(EGFR):c.2150T>C (p.Val717Ala)

Gene: EGFR (epidermal growth factor receptor; plus strand). Cytogenetic location: 7p11.2.
Variant type: single nucleotide variant.
Coding change: c.2150T>C on transcript NM_005228.5 (MANE Select); coding-DNA position 2150, T replaced by C.
Protein change: p.Val717Ala; replaces valine 717 with alanine.
Molecular consequence: missense variant.
Genome position (GRCh38, 1-based): chr7:55,174,009, T>C. VCF-style: chr7-55174009-T-C. GRCh37 (hg19) VCF-style: chr7-55241702-T-C.
Other names: c.2150T>C (NM_005228.3, NM_005228.4); c.2015T>C, p.Val672Ala (NM_001346897.2, NM_001346899.2); c.2150T>C, p.Val717Ala (NM_001346898.2); c.1991T>C, p.Val664Ala (NM_001346900.2); c.1349T>C, p.Val450Ala (NM_001346941.2); short protein forms V450A, V664A, V672A, V717A.
Identifiers: ClinVar variation 1007797 (VCV001007797.10), dbSNP rs1786477984, ClinGen allele CA367583731.

ClinVar aggregate classification (germline): Uncertain significance. Review status: criteria provided, multiple submitters, no conflicts (2 of 4 stars). 3 submissions from 3 submitters: Uncertain significance (2). 1 of the submissions does not count toward it. Last evaluated 2026-01-19.

Conditions:
EGFR-related lung cancer (EGFR). Identifiers: MedGen CN130014.
EGFR-related disorder. Also called: EGFR-related condition.
Hereditary cancer-predisposing syndrome. Also called: Tumor predisposition; Hereditary neoplastic syndrome; Neoplastic Syndromes, Hereditary; Hereditary Cancer Syndrome. Identifiers: Orphanet 140162, MedGen C0027672, MeSH D009386, MONDO:0015356.

Allele frequency attached by ClinVar (database versions not stated): gnomAD exomes 0.00001.
gnomAD v4.1: 5 of 1,614,254 alleles (0.00031%); highest among the groups gnomAD compares: Non-Finnish European, 0.00042%; no homozygotes.

Submissions (3):

Labcorp Genetics (formerly Invitae), Labcorp
Classification: Uncertain significance for EGFR-related lung cancer. Last evaluated: 2026-01-19. Review status: criteria provided, single submitter. Criteria: Invitae Variant Classification Sherloc (09022015). Collection method: clinical testing. Allele origin: germline.
Comment: This sequence change replaces valine, which is neutral and non-polar, with alanine, which is neutral and non-polar, at codon 717 of the EGFR protein (p.Val717Ala). This variant is not present in population databases (gnomAD no frequency). This variant has not been reported in the literature in individuals affected with EGFR-related conditions. ClinVar contains an entry for this variant (Variation ID: 1007797). Invitae Evidence Modeling of protein sequence and biophysical properties (such as structural, functional, and spatial information, amino acid conservation, physicochemical variation, residue mobility, and thermodynamic stability) indicates that this missense variant is not expected to disrupt EGFR protein function with a negative predictive value of 80%. In summary, the available evidence is currently insufficient to determine the role of this variant in disease. Therefore, it has been classified as a Variant of Uncertain Significance.

Ambry Genetics
Classification: Uncertain significance for Hereditary cancer-predisposing syndrome. Last evaluated: 2025-01-27. Review status: criteria provided, single submitter. Criteria: Ambry Variant Classification Scheme 2023. Collection method: clinical testing. Allele origin: germline.
Comment: The p.V717A variant (also known as c.2150T>C), located in coding exon 18 of the EGFR gene, results from a T to C substitution at nucleotide position 2150. The valine at codon 717 is replaced by alanine, an amino acid with similar properties. This amino acid position is highly conserved in available vertebrate species. In addition, the in silico prediction for this alteration is inconclusive. Based on the available evidence, the clinical significance of this variant remains unclear.

PreventionGenetics, part of Exact Sciences
Classification: Uncertain significance for EGFR-related condition. Last evaluated: 2024-03-06. Review status: no assertion criteria provided. Collection method: clinical testing. Allele origin: germline. Not counted in ClinVar's aggregate classification.
Comment: The EGFR c.2150T>C variant is predicted to result in the amino acid substitution p.Val717Ala. To our knowledge, this variant has not been reported in the literature or in a large population database, indicating this variant is rare. This variant is interpreted as a variant of uncertain significance. At this time, the clinical significance of this variant is uncertain due to the absence of conclusive functional and genetic evidence.